The following is an entry in ClinVar:

ClinVar aggregate classification (germline): Uncertain significance (1 of 4 stars; one submission).

Conditions:
Progressive myoclonic epilepsy type 5. Identifiers: Orphanet 402082, MedGen C5190799.

Allele frequency attached by ClinVar (database versions not stated): gnomAD exomes below 0.00001; gnomAD 0.00001.
gnomAD v4.1: 5 of 1,614,114 alleles (0.00031%); highest among the groups gnomAD compares: Non-Finnish European, 0.00042%; no homozygotes.

Submission:

Labcorp Genetics (formerly Invitae), Labcorp
Classification: Uncertain significance for Progressive myoclonic epilepsy type 5. Last evaluated: 2021-12-28. Review status: criteria provided, single submitter. Criteria: Invitae Variant Classification Sherloc (09022015). Collection method: clinical testing. Allele origin: germline.
Comment: This sequence change replaces glutamine, which is neutral and polar, with arginine, which is basic and polar, at codon 829 of the PRICKLE2 protein (p.Gln829Arg). In summary, the available evidence is currently insufficient to determine the role of this variant in disease. Therefore, it has been classified as a Variant of Uncertain Significance. Algorithms developed to predict the effect of missense changes on protein structure and function are either unavailable or do not agree on the potential impact of this missense change (SIFT: "Deleterious"; PolyPhen-2: "Benign"; Align-GVGD: "Class C35"). This variant has not been reported in the literature in individuals affected with PRICKLE2-related conditions. This variant is present in population databases (no rsID available, gnomAD 0.002%).

NM_198859.4(PRICKLE2):c.2486A>G (p.Gln829Arg)

Genes: PRICKLE2 (prickle planar cell polarity protein 2; minus strand), PRICKLE2-AS1 (PRICKLE2 antisense RNA 1; plus strand). Cytogenetic location: 3p14.1.
Variant type: single nucleotide variant.
Coding change: c.2486A>G on transcript NM_198859.4 (MANE Select); coding-DNA position 2486, A replaced by G.
Protein change: p.Gln829Arg; replaces glutamine 829 with arginine.
Molecular consequence: missense variant. On other transcripts: non-coding transcript variant (1).
Genome position (GRCh38, 1-based): chr3:64,099,100, T>C on the plus strand (A>G on the coding strand, the complement: PRICKLE2 is on the minus strand). VCF-style: chr3-64099100-T-C. GRCh37 (hg19) VCF-style: chr3-64084776-T-C.
Other names: c.2486A>G, p.Gln829Arg (NM_001370528.1); short protein forms Q829R.
Identifiers: ClinVar variation 2060819 (VCV002060819.4), dbSNP rs1174728731, ClinGen allele CA353425549.